The following is an entry in ClinVar:

ClinVar aggregate classification (germline): Likely benign (1 of 4 stars; one submission).

Submission:

CeGaT Center for Human Genetics Tuebingen
Classification: Likely benign. Last evaluated: 2023-03-01. Review status: criteria provided, single submitter. Criteria: CeGaT Center For Human Genetics Tuebingen Variant Classification Criteria Version 2. Collection method: clinical testing. Allele origin: germline. Affected: yes. Observed: 1 variant allele.
Comment: MUC2: BP4, BP7

NM_002457.5(MUC2):c.12375C>A (p.Thr4125=)

Gene: MUC2 (mucin 2, oligomeric mucus/gel-forming; plus strand). Cytogenetic location: 11p15.5.
Variant type: single nucleotide variant.
Coding change: c.12375C>A on transcript NM_002457.5 (MANE Select); coding-DNA position 12375, C replaced by A.
Protein change: p.Thr4125=; no amino-acid change (threonine 4125 retained).
Molecular consequence: synonymous variant.
Genome position (GRCh38, 1-based): chr11:1,099,709, C>A. VCF-style: chr11-1099709-C-A. GRCh37 (hg19) VCF-style: chr11-1093617-C-A.
Identifiers: ClinVar variation 2641147 (VCV002641147.24), dbSNP rs1302674011, ClinGen allele CA5800311.